The following is an entry in ClinVar:

NM_007194.4(CHEK2):c.1009-1G>A

Gene: CHEK2 (checkpoint kinase 2; minus strand). Cytogenetic location: 22q12.1.
Variant type: single nucleotide variant.
Coding change: c.1009-1G>A on transcript NM_007194.4 (MANE Select); the canonical splice acceptor site of the intron before coding-DNA position 1009, G replaced by A.
Molecular consequence: splice acceptor variant. On other transcripts: intron variant (3).
Genome position (GRCh38, 1-based): chr22:28,696,988, C>T on the plus strand (G>A on the coding strand, the complement: CHEK2 is on the minus strand). VCF-style: chr22-28696988-C-T. GRCh37 (hg19) VCF-style: chr22-29092976-C-T.
Other names: c.346-1G>A (NM_001437942.1, NM_001257387.3); c.808-1G>A (NM_001349956.3); c.1009-1115G>A (NM_145862.3); c.1102-1115G>A (NM_001438295.1); c.1102-1G>A (NM_001438293.1); c.1138-1115G>A (NM_001438294.1); c.1138-1G>A (NM_001005735.3).
Identifiers: ClinVar variation 530187 (VCV000530187.14), dbSNP rs1555914382, ClinGen allele CA411097868.
Genomic context (GRCh38, chr22:28,696,988, plus strand): 5'-TGACAGTAAAACATTCTCTGGCTTTAAGTCACGGTGTATAATACCGTTTTCATGAAGGTA[C>T]TACACAGAAAGGCAGGCATGACCCTCAGATTCATGCAGTAGATACTTAAGTAGAATCAAA-3'

ClinVar aggregate classification (germline): Likely pathogenic. Review status: criteria provided, multiple submitters, no conflicts (2 of 4 stars). 3 submissions from 3 submitters: Likely pathogenic (3). Last evaluated 2025-10-29.

Conditions:
Familial cancer of breast. Also called: BREAST CANCER, FAMILIAL; Hereditary breast cancer; hereditary breast carcinoma. Identifiers: Orphanet 227535, MedGen C0346153, MONDO:0016419, OMIM 114480. Disease mechanism: loss of function.
Hereditary cancer-predisposing syndrome. Also called: Hereditary neoplastic syndrome; Neoplastic Syndromes, Hereditary; Hereditary Cancer Syndrome; Tumor predisposition. Identifiers: Orphanet 140162, MedGen C0027672, MeSH D009386, MONDO:0015356.

Submissions (3):

Ambry Genetics
Classification: Likely pathogenic for Hereditary cancer-predisposing syndrome. Last evaluated: 2025-10-29. Review status: criteria provided, single submitter. Criteria: Ambry Variant Classification Scheme 2023. Collection method: clinical testing. Allele origin: germline.
Comment: The c.1009-1G>A intronic variant results from a G to A substitution one nucleotide upstream from coding exon 9 of the CHEK2 gene. Alterations that disrupt the canonical splice site are expected to result in aberrant splicing. This nucleotide position is highly conserved in available vertebrate species. In silico splice site analysis predicts that this alteration will weaken the native splice acceptor site. RNA studies have demonstrated that this alteration results in abnormal splicing in the set of samples tested (Ambry internal data). This variant is considered to be rare based on population cohorts in the Genome Aggregation Database (gnomAD). Based on the majority of available evidence to date, this variant is likely to be pathogenic.

Labcorp Genetics (formerly Invitae), Labcorp
Classification: Likely pathogenic for Familial cancer of breast. Last evaluated: 2024-05-21. Review status: criteria provided, single submitter. Criteria: Invitae Variant Classification Sherloc (09022015). Collection method: clinical testing. Allele origin: germline.
Comment: This sequence change affects an acceptor splice site in intron 9 of the CHEK2 gene. It is expected to disrupt RNA splicing. Variants that disrupt the donor or acceptor splice site typically lead to a loss of protein function (PMID: 16199547), and loss-of-function variants in CHEK2 are known to be pathogenic (PMID: 21876083, 24713400). This variant is not present in population databases (gnomAD no frequency). Disruption of this splice site has been observed in individual(s) referred for genetic testing (PMID: 32805687). ClinVar contains an entry for this variant (Variation ID: 530187). Algorithms developed to predict the effect of sequence changes on RNA splicing suggest that this variant may disrupt the consensus splice site. In summary, the currently available evidence indicates that the variant is pathogenic, but additional data are needed to prove that conclusively. Therefore, this variant has been classified as Likely Pathogenic.

Myriad Genetics, Inc.
Classification: Likely pathogenic for Familial cancer of breast. Last evaluated: 2023-06-27. Review status: criteria provided, single submitter. Criteria: Myriad Autosomal Dominant, Autosomal Recessive and X-Linked Classification Criteria (2023). Collection method: clinical testing. Allele origin: unknown.
Comment: This variant is considered likely pathogenic. This variant occurs within a consensus splice junction and is predicted to result in abnormal mRNA splicing of either an out-of-frame exon or an in-frame exon necessary for protein stability and/or normal function.

Literature cited by the submitters: PubMed 16199547 (cited by Labcorp Genetics (formerly Invitae), Labcorp); PubMed 21876083 (cited by Labcorp Genetics (formerly Invitae), Labcorp); PubMed 24713400 (cited by Labcorp Genetics (formerly Invitae), Labcorp); PubMed 32805687 (cited by Labcorp Genetics (formerly Invitae), Labcorp).